The following is an entry in ClinVar:

NM_001844.5(COL2A1):c.2480C>T (p.Thr827Ile)

Gene: COL2A1 (collagen type II alpha 1 chain; minus strand). Cytogenetic location: 12q13.11.
Variant type: single nucleotide variant.
Coding change: c.2480C>T on transcript NM_001844.5 (MANE Select); coding-DNA position 2480, C replaced by T.
Protein change: p.Thr827Ile; replaces threonine 827 with isoleucine.
Molecular consequence: missense variant.
Genome position (GRCh38, 1-based): chr12:47,980,952, G>A on the plus strand (C>T on the coding strand, the complement: COL2A1 is on the minus strand). VCF-style: chr12-47980952-G-A. GRCh37 (hg19) VCF-style: chr12-48374735-G-A.
Other names: c.2273C>T, p.Thr758Ile (NM_033150.3); short protein forms T758I, T827I.
Identifiers: ClinVar variation 3604388 (VCV003604388.2).

ClinVar aggregate classification (germline): Uncertain significance (1 of 4 stars; one submission).

Submission:

Labcorp Genetics (formerly Invitae), Labcorp
Classification: Uncertain significance. Last evaluated: 2024-05-29. Review status: criteria provided, single submitter. Criteria: Invitae Variant Classification Sherloc (09022015). Collection method: clinical testing. Allele origin: germline.
Comment: This sequence change replaces threonine, which is neutral and polar, with isoleucine, which is neutral and non-polar, at codon 827 of the COL2A1 protein (p.Thr827Ile). This variant is not present in population databases (gnomAD no frequency). This variant has not been reported in the literature in individuals affected with COL2A1-related conditions. Advanced modeling of protein sequence and biophysical properties (such as structural, functional, and spatial information, amino acid conservation, physicochemical variation, residue mobility, and thermodynamic stability) performed at Invitae indicates that this missense variant is not expected to disrupt COL2A1 protein function with a negative predictive value of 95%. In summary, the available evidence is currently insufficient to determine the role of this variant in disease. Therefore, it has been classified as a Variant of Uncertain Significance.